The following is an entry in ClinVar:

NM_005876.5(SPEG):c.3164G>A (p.Arg1055Gln)

Gene: SPEG (striated muscle enriched protein kinase; plus strand). Cytogenetic location: 2q35.
Variant type: single nucleotide variant.
Coding change: c.3164G>A on transcript NM_005876.5 (MANE Select); coding-DNA position 3164, G replaced by A.
Protein change: p.Arg1055Gln; replaces arginine 1055 with glutamine.
Molecular consequence: missense variant.
Genome position (GRCh38, 1-based): chr2:219,468,599, G>A. VCF-style: chr2-219468599-G-A. GRCh37 (hg19) VCF-style: chr2-220333321-G-A.
Other names: p.Arg1055Gln; short protein forms R1055Q.
Identifiers: ClinVar variation 777770 (VCV000777770.41), dbSNP rs35181232, ClinGen allele CA2126088.
Genomic context (GRCh38, chr2:219,468,599, plus strand): 5'-TTAGCCTTCCCTATCTCTGAGCTGCCCCCTGCCCCACAGATGAGCTGACCTGCAGTGCCC[G>A]GCTGACCGTGCGGCCCTCGTTGGCACCCCTGTTCACACGGCTGCTGGAAGATGTGGAGGT-3'
Protein context (NP_005867.3, residues 1045-1065): TAKDELTCSA[Arg1055Gln]LTVRPSLAPL

ClinVar aggregate classification (germline): Benign/Likely benign. Review status: criteria provided, multiple submitters, no conflicts (2 of 4 stars). 5 submissions from 5 submitters: Benign (4); Likely benign (1). Last evaluated 2026-09-01.

Allele frequency attached by ClinVar (database versions not stated): ESP Exome Variant Server 0.00696; TOPMed 0.00700; 1000 Genomes Project 30x 0.00734; gnomAD 0.00753 and 0.00776; 1000 Genomes Project 0.00759; gnomAD exomes 0.00889 and 0.01132; ExAC 0.00896.
gnomAD v4.1: 17,664 of 1,613,274 alleles (1.1%); highest among the groups gnomAD compares: South Asian, 1.4%; 136 homozygotes.

Submissions (5):

CeGaT Center for Human Genetics Tuebingen
Classification: Benign. Last evaluated: 2026-09-01. Review status: criteria provided, single submitter. Criteria: CeGaT Center For Human Genetics Tuebingen Variant Classification Criteria Version 2. Collection method: clinical testing. Allele origin: germline. Affected: yes. Observed: 29 variant alleles.
Comment: SPEG: BP4, BS1, BS2

Labcorp Genetics (formerly Invitae), Labcorp
Classification: Benign. Last evaluated: 2026-02-01. Review status: criteria provided, single submitter. Criteria: Invitae Variant Classification Sherloc (09022015). Collection method: clinical testing. Allele origin: germline.

Blueprint Genetics
Classification: Likely benign. Last evaluated: 2024-11-26. Review status: criteria provided, single submitter. Criteria: ACMG Guidelines, 2015. Collection method: clinical testing. Allele origin: germline.

Mayo Clinic Laboratories, Mayo Clinic
Classification: Benign. Last evaluated: 2023-06-21. Review status: criteria provided, single submitter. Criteria: ACMG Guidelines, 2015. Collection method: clinical testing. Allele origin: germline. Observed: 11 variant alleles.

Breakthrough Genomics
Classification: Benign. Review status: criteria provided, single submitter. Criteria: ACMG Guidelines, 2015. Collection method: not provided. Allele origin: germline. Inheritance: Autosomal recessive inheritance. Affected: yes.